The following is an entry in ClinVar:

NM_021815.5(SLC5A7):c.1556C>G (p.Ala519Gly)

Gene: SLC5A7 (solute carrier family 5 member 7; plus strand). Cytogenetic location: 2q12.3.
Variant type: single nucleotide variant.
Coding change: c.1556C>G on transcript NM_021815.5 (MANE Select); coding-DNA position 1556, C replaced by G.
Protein change: p.Ala519Gly; replaces alanine 519 with glycine.
Molecular consequence: missense variant.
Genome position (GRCh38, 1-based): chr2:108,010,674, C>G. VCF-style: chr2-108010674-C-G. GRCh37 (hg19) VCF-style: chr2-108627130-C-G.
Other names: c.1556C>G, p.Ala519Gly (NM_001305005.3); c.1241C>G, p.Ala414Gly (NM_001305006.3); c.815C>G, p.Ala272Gly (NM_001305007.3); short protein forms A272G, A519G, A414G.
Identifiers: ClinVar variation 864560 (VCV000864560.7), dbSNP rs776499560, ClinGen allele CA1819197.

ClinVar aggregate classification (germline): Uncertain significance (1 of 4 stars; one submission).

Conditions:
Congenital myasthenic syndrome 20. Also called: Myasthenic syndrome, congenital, 20, presynaptic. Identifiers: MedGen C4310694, MONDO:0014939, OMIM 617143.
Neuronopathy, distal hereditary motor, type 7A. Also called: HARPER-YOUNG MYOPATHY; HMN VIIA; NEURONOPATHY, DISTAL HEREDITARY MOTOR, HARDING TYPE VIIA; NEUROPATHY, DISTAL HEREDITARY MOTOR, HARDING TYPE VIIA; Neuronopathy, distal hereditary motor, autosomal dominant 7; SPINAL MUSCULAR ATROPHY, DISTAL, WITH VOCAL CORD PARALYSIS. Identifiers: Orphanet 139589, MedGen C1834703, MONDO:0008024, OMIM 158580.

Allele frequency attached by ClinVar (database versions not stated): gnomAD exomes below 0.00001; ExAC 0.00001.
gnomAD v4.1: 1 of 1,613,850 alleles (0.000062%); highest among the groups gnomAD compares: Admixed American, 0.0017%; no homozygotes.

Submission:

Labcorp Genetics (formerly Invitae), Labcorp
Classification: Uncertain significance for Neuronopathy, distal hereditary motor, type 7A; Congenital myasthenic syndrome 20. Last evaluated: 2022-09-01. Review status: criteria provided, single submitter. Criteria: Invitae Variant Classification Sherloc (09022015). Collection method: clinical testing. Allele origin: germline.
Comment: ClinVar contains an entry for this variant (Variation ID: 864560). This sequence change replaces alanine, which is neutral and non-polar, with glycine, which is neutral and non-polar, at codon 519 of the SLC5A7 protein (p.Ala519Gly). This variant is present in population databases (rs776499560, gnomAD 0.003%). This variant has not been reported in the literature in individuals affected with SLC5A7-related conditions. Algorithms developed to predict the effect of missense changes on protein structure and function (SIFT, PolyPhen-2, Align-GVGD) all suggest that this variant is likely to be tolerated. In summary, the available evidence is currently insufficient to determine the role of this variant in disease. Therefore, it has been classified as a Variant of Uncertain Significance.